The following is an entry in ClinVar:

ClinVar aggregate classification (germline): Likely benign. Review status: criteria provided, multiple submitters, no conflicts (2 of 4 stars). 3 submissions from 3 submitters: Likely benign (3). Last evaluated 2024-10-19.

Conditions:
Transcobalamin II deficiency (TCN2D). Also called: TC II DEFICIENCY; TCN2 DEFICIENCY; Transcolabamin II deficiency. Identifiers: Orphanet 859, MedGen C0342701, MONDO:0010149, OMIM 275350.

Allele frequency attached by ClinVar (database versions not stated): gnomAD exomes 0.00001; TOPMed 0.00001.
gnomAD v4.1: 12 of 1,614,124 alleles (0.00074%); highest among the groups gnomAD compares: Non-Finnish European, 0.00085%; no homozygotes.

Submissions (3):

Labcorp Genetics (formerly Invitae), Labcorp
Classification: Likely benign for Transcobalamin II deficiency. Last evaluated: 2024-10-19. Review status: criteria provided, single submitter. Criteria: Invitae Variant Classification Sherloc (09022015). Collection method: clinical testing. Allele origin: germline.

CeGaT Center for Human Genetics Tuebingen
Classification: Likely benign. Last evaluated: 2023-03-01. Review status: criteria provided, single submitter. Criteria: CeGaT Center For Human Genetics Tuebingen Variant Classification Criteria Version 2. Collection method: clinical testing. Allele origin: germline. Affected: yes. Observed: 1 variant allele.
Comment: TCN2: PM2:Supporting, BP4, BP7

Breakthrough Genomics
Classification: Likely benign. Review status: criteria provided, single submitter. Criteria: ACMG Guidelines, 2015. Collection method: not provided. Allele origin: germline. Inheritance: Autosomal recessive inheritance. Affected: yes.

NM_000355.4(TCN2):c.1263G>A (p.Glu421=)

Gene: TCN2 (transcobalamin 2; plus strand). Cytogenetic location: 22q12.2.
Variant type: single nucleotide variant.
Coding change: c.1263G>A on transcript NM_000355.4 (MANE Select); coding-DNA position 1263, G replaced by A.
Protein change: p.Glu421=; no amino-acid change (glutamic acid 421 retained).
Molecular consequence: synonymous variant.
Genome position (GRCh38, 1-based): chr22:30,626,500, G>A. VCF-style: chr22-30626500-G-A. GRCh37 (hg19) VCF-style: chr22-31022487-G-A.
Other names: c.1182G>A, p.Glu394= (NM_001184726.2).
Identifiers: ClinVar variation 1576112 (VCV001576112.32), dbSNP rs1385370129, ClinGen allele CA514211664.